The following is an entry in ClinVar:

NM_002335.4(LRP5):c.4819C>A (p.Pro1607Thr)

Gene: LRP5 (LDL receptor related protein 5; plus strand). Cytogenetic location: 11q13.2.
Variant type: single nucleotide variant.
Coding change: c.4819C>A on transcript NM_002335.4 (MANE Select); coding-DNA position 4819, C replaced by A.
Protein change: p.Pro1607Thr; replaces proline 1607 with threonine.
Molecular consequence: missense variant.
Genome position (GRCh38, 1-based): chr11:68,449,041, C>A. VCF-style: chr11-68449041-C-A. GRCh37 (hg19) VCF-style: chr11-68216509-C-A.
Other names: c.3076C>A, p.Pro1026Thr (NM_001291902.2); short protein forms P1026T, P1607T.
Identifiers: ClinVar variation 4533230 (VCV004533230.1).
Genomic context (GRCh38, chr11:68,449,041, plus strand): 5'-GAGGACAGCTGCCCGCCCTCGCCCGCCACCGAGAGGAGCTACTTCCATCTCTTCCCGCCC[C>A]CTCCGTCCCCCTGCACGGACTCATCCTGACCTCGGCCGGGCCACTCTGGCTTCTCTGTGC-3'
Protein context (NP_002326.2, residues 1597-1615): ERSYFHLFPP[Pro1607Thr]PSPCTDSS

ClinVar aggregate classification (germline): Uncertain significance (1 of 4 stars; one submission).

Conditions:
Bone mineral density quantitative trait locus 1 (BMND1). Identifiers: MedGen C1866079, OMIM 601884.
Worth disease. Also called: ENDOSTEAL HYPEROSTOSIS, AUTOSOMAL DOMINANT; OSTEOSCLEROSIS, AUTOSOMAL DOMINANT; Autosomal dominant osteosclerosis, Worth type. Identifiers: Orphanet 2790, MedGen C0432273, MONDO:0007764, OMIM 144750.
Exudative vitreoretinopathy 4 (EVR4). Identifiers: Orphanet 891, MedGen C1866176, MONDO:0011151, OMIM 601813.
Polycystic liver disease 4 with or without kidney cysts. Identifiers: MedGen C4693479, MONDO:0044327, OMIM 617875.
Autosomal dominant osteopetrosis 1 (OPTA1). Also called: OSTEOPETROSIS, AUTOSOMAL DOMINANT, TYPE I. Identifiers: Orphanet 2783, MedGen C1843330, MONDO:0011877, OMIM 607634.
Osteoporosis with pseudoglioma (OPPG). Also called: osteoporosis-pseudoglioma syndrome. Identifiers: Orphanet 2788, MedGen C0432252, MONDO:0009820, OMIM 259770.

Submission:

Juno Genomics, Hangzhou Juno Genomics, Inc
Classification: Uncertain significance for Worth disease; Bone mineral density quantitative trait locus 1; Exudative vitreoretinopathy 4; Autosomal dominant osteopetrosis 1; Osteoporosis with pseudoglioma; Polycystic liver disease 4 with or without kidney cysts. Review status: criteria provided, single submitter. Criteria: ACMG Guidelines, 2015. Collection method: clinical testing. Allele origin: germline. Affected: yes.
Comment: Absent from controls (or at extremely low frequency if recessive) in Genome Aggregation Database, Exome Sequencing Project, 1000 Genomes Project, or Exome Aggregation Consortium.;Multiple lines of computational evidence support a deleterious effect on the gene or gene product (conservation, evolutionary, splicing impact, etc).;Missense variant in a gene that has a low rate of benign missense variation and where missense variants are a common mechanism of disease.